The following is an entry in ClinVar:

ClinVar aggregate classification (germline): Uncertain significance. Review status: criteria provided, multiple submitters, no conflicts (2 of 4 stars). 3 submissions from 3 submitters: Uncertain significance (3). Last evaluated 2025-07-15.

Conditions:
Inborn genetic diseases. Identifiers: MedGen C0950123, MeSH D030342.
Osteogenesis imperfecta type 8 (OI8). Identifiers: MedGen C1970458, MONDO:0012581, OMIM 610915.

Allele frequency attached by ClinVar (database versions not stated): TOPMed 0.00001.
gnomAD v4.1: 11 of 1,613,968 alleles (0.00068%); highest among the groups gnomAD compares: East Asian, 0.0022%; no homozygotes.

Submissions (3):

Ambry Genetics
Classification: Uncertain significance for Inborn genetic diseases. Last evaluated: 2025-07-15. Review status: criteria provided, single submitter. Criteria: Ambry Variant Classification Scheme 2023. Collection method: clinical testing. Allele origin: germline.

GeneDx
Classification: Uncertain significance. Last evaluated: 2025-04-17. Review status: criteria provided, single submitter. Criteria: GeneDx Variant Classification Process June 2021. Collection method: clinical testing. Allele origin: germline. Affected: yes.
Comment: Not observed at significant frequency in large population cohorts (gnomAD); In silico analysis indicates that this missense variant does not alter protein structure/function; Has not been previously published as pathogenic or benign to our knowledge

Labcorp Genetics (formerly Invitae), Labcorp
Classification: Uncertain significance for Osteogenesis imperfecta type 8. Last evaluated: 2021-08-24. Review status: criteria provided, single submitter. Criteria: Invitae Variant Classification Sherloc (09022015). Collection method: clinical testing. Allele origin: germline.
Comment: This sequence change replaces valine with methionine at codon 541 of the P3H1 protein (p.Val541Met). The valine residue is moderately conserved and there is a small physicochemical difference between valine and methionine. This variant is present in population databases (rs369552220, ExAC no frequency). This variant has not been reported in the literature in individuals affected with P3H1-related conditions. Algorithms developed to predict the effect of missense changes on protein structure and function are either unavailable or do not agree on the potential impact of this missense change (SIFT: "Tolerated"; PolyPhen-2: "Possibly Damaging"; Align-GVGD: "Class C0"). In summary, the available evidence is currently insufficient to determine the role of this variant in disease. Therefore, it has been classified as a Variant of Uncertain Significance.

NM_022356.4(P3H1):c.1621G>A (p.Val541Met)

Gene: P3H1 (prolyl 3-hydroxylase 1; minus strand). Cytogenetic location: 1p34.2.
Variant type: single nucleotide variant.
Coding change: c.1621G>A on transcript NM_022356.4 (MANE Select); coding-DNA position 1621, G replaced by A.
Protein change: p.Val541Met; replaces valine 541 with methionine.
Molecular consequence: missense variant.
Genome position (GRCh38, 1-based): chr1:42,750,285, C>T on the plus strand (G>A on the coding strand, the complement: P3H1 is on the minus strand). VCF-style: chr1-42750285-C-T. GRCh37 (hg19) VCF-style: chr1-43215956-C-T.
Other names: c.1621G>A, p.Val541Met (NM_001146289.2, NM_001243246.2); short protein forms V541M.
Identifiers: ClinVar variation 847159 (VCV000847159.9), dbSNP rs369552220, ClinGen allele CA801757.